The following is an entry in ClinVar:

NM_004329.3(BMPR1A):c.1007A>T (p.Tyr336Phe)

Gene: BMPR1A (bone morphogenetic protein receptor type 1A; plus strand). Cytogenetic location: 10q23.2.
Variant type: single nucleotide variant.
Coding change: c.1007A>T on transcript NM_004329.3 (MANE Select); coding-DNA position 1007, A replaced by T.
Protein change: p.Tyr336Phe; replaces tyrosine 336 with phenylalanine.
Molecular consequence: missense variant. On other transcripts: non-coding transcript variant (3).
Genome position (GRCh38, 1-based): chr10:86,919,310, A>T. VCF-style: chr10-86919310-A-T. GRCh37 (hg19) VCF-style: chr10-88679067-A-T.
Other names: c.1082A>T, p.Tyr361Phe (NM_001406559.1); c.1055A>T, p.Tyr352Phe (NM_001406560.1); c.1007A>T, p.Tyr336Phe (NM_001406561.1, NM_001406562.1, NM_001406563.1 and 19 more transcripts); c.1001A>T, p.Tyr334Phe (NM_001406583.1); c.923A>T, p.Tyr308Phe (NM_001406584.1, NM_001406585.1, NM_001406586.1 and 2 more transcripts); c.665A>T, p.Tyr222Phe (NM_001406589.1); short protein forms Y334F, Y222F, Y336F, Y361F, Y352F, Y308F.
Identifiers: ClinVar variation 3481214 (VCV003481214.1).
Genomic context (GRCh38, chr10:86,919,310, plus strand): 5'-CTCTCTATGACTTCCTGAAATGTGCTACACTGGACACCAGAGCCCTGCTTAAATTGGCTT[A>T]TTCAGCTGCCTGTGGTCTGTGCCACCTGCACACAGAAATTTATGGCACCCAAGGAAAGCC-3'
Protein context (NP_004320.2, residues 326-346): LDTRALLKLA[Tyr336Phe]SAACGLCHLH

ClinVar aggregate classification (germline): Uncertain significance (1 of 4 stars; one submission).

Conditions:
Hereditary cancer-predisposing syndrome. Also called: Tumor predisposition; Neoplastic Syndromes, Hereditary; Hereditary Cancer Syndrome; Hereditary neoplastic syndrome. Identifiers: Orphanet 140162, MedGen C0027672, MeSH D009386, MONDO:0015356.

Submission:

Ambry Genetics
Classification: Uncertain significance for Hereditary cancer-predisposing syndrome. Last evaluated: 2024-11-18. Review status: criteria provided, single submitter. Criteria: Ambry Variant Classification Scheme 2023. Collection method: clinical testing. Allele origin: germline.
Comment: The p.Y336F variant (also known as c.1007A>T), located in coding exon 8 of the BMPR1A gene, results from an A to T substitution at nucleotide position 1007. The tyrosine at codon 336 is replaced by phenylalanine, an amino acid with highly similar properties. This amino acid position is well conserved in available vertebrate species. In addition, the in silico prediction for this alteration is inconclusive. Based on the available evidence, the clinical significance of this variant remains unclear.